The following is an entry in ClinVar:

ClinVar aggregate classification (germline): Uncertain significance (1 of 4 stars; one submission).

Conditions:
Alagille syndrome due to a JAG1 point mutation. Also called: JAG1-Related Alagille Syndrome; Alagille Syndrome 1; HEPATIC DUCTULAR HYPOPLASIA, SYNDROMATIC. Identifiers: Orphanet 261619, Orphanet 52, MedGen C1956125, MONDO:0016862, OMIM 118450.

Submission:

Labcorp Genetics (formerly Invitae), Labcorp
Classification: Uncertain significance for Alagille syndrome due to a JAG1 point mutation. Last evaluated: 2023-04-09. Review status: criteria provided, single submitter. Criteria: Invitae Variant Classification Sherloc (09022015). Collection method: clinical testing. Allele origin: germline.
Comment: This variant has not been reported in the literature in individuals affected with JAG1-related conditions. This sequence change replaces tyrosine, which is neutral and polar, with serine, which is neutral and polar, at codon 132 of the JAG1 protein (p.Tyr132Ser). This variant is not present in population databases (gnomAD no frequency). Advanced modeling of protein sequence and biophysical properties (such as structural, functional, and spatial information, amino acid conservation, physicochemical variation, residue mobility, and thermodynamic stability) has been performed at Invitae for this missense variant, however the output from this modeling did not meet the statistical confidence thresholds required to predict the impact of this variant on JAG1 protein function. In summary, the available evidence is currently insufficient to determine the role of this variant in disease. Therefore, it has been classified as a Variant of Uncertain Significance.

NM_000214.3(JAG1):c.395A>C (p.Tyr132Ser)

Gene: JAG1 (jagged canonical Notch ligand 1; minus strand). Cytogenetic location: 20p12.2.
Variant type: single nucleotide variant.
Coding change: c.395A>C on transcript NM_000214.3 (MANE Select); coding-DNA position 395, A replaced by C.
Protein change: p.Tyr132Ser; replaces tyrosine 132 with serine.
Molecular consequence: missense variant.
Genome position (GRCh38, 1-based): chr20:10,664,007, T>G on the plus strand (A>C on the coding strand, the complement: JAG1 is on the minus strand). VCF-style: chr20-10664007-T-G. GRCh37 (hg19) VCF-style: chr20-10644655-T-G.
Other names: short protein forms Y132S.
Identifiers: ClinVar variation 2853911 (VCV002853911.3), dbSNP rs2514531176, ClinGen allele CA408242170.